The following is an entry in ClinVar:

ClinVar aggregate classification (germline): Uncertain significance (1 of 4 stars; one submission).

Submission:

Women's Health and Genetics/Laboratory Corporation of America, LabCorp
Classification: Uncertain significance. Last evaluated: 2021-05-17. Review status: criteria provided, single submitter. Criteria: LabCorp Variant Classification Summary - May 2015. Collection method: clinical testing. Allele origin: germline.
Comment: Variant summary: GPD1L c.629C>T (p.Ala210Val) results in a non-conservative amino acid change located in the Glycerol-3-phosphate dehydrogenase, NAD-dependent, C-terminal domain (IPR006109) of the encoded protein sequence. Five of five in-silico tools predict a damaging effect of the variant on protein function. The variant was absent in 248954 control chromosomes. The available data on variant occurrences in the general population are insufficient to allow any conclusion about variant significance. To our knowledge, no occurrence of c.629C>T in individuals affected with Brugada Syndrome and no experimental evidence demonstrating its impact on protein function have been reported. No clinical diagnostic laboratories have submitted clinical-significance assessments for this variant to ClinVar after 2014. Based on the evidence outlined above, the variant was classified as uncertain significance.

NM_015141.4(GPD1L):c.629C>T (p.Ala210Val)

Gene: GPD1L (glycerol-3-phosphate dehydrogenase 1 like; plus strand). Cytogenetic location: 3p22.3.
Variant type: single nucleotide variant.
Coding change: c.629C>T on transcript NM_015141.4 (MANE Select); coding-DNA position 629, C replaced by T.
Protein change: p.Ala210Val; replaces alanine 210 with valine.
Molecular consequence: missense variant.
Genome position (GRCh38, 1-based): chr3:32,158,886, C>T. VCF-style: chr3-32158886-C-T. GRCh37 (hg19) VCF-style: chr3-32200378-C-T.
Other names: short protein forms A210V.
Identifiers: ClinVar variation 1098771 (VCV001098771.1), dbSNP rs2125497783, ClinGen allele CA351968882.